The following is an entry in ClinVar:

NM_004727.3(SLC24A1):c.1914G>T (p.Val638=)

Gene: SLC24A1 (solute carrier family 24 member 1; plus strand). Cytogenetic location: 15q22.31.
Variant type: single nucleotide variant.
Coding change: c.1914G>T on transcript NM_004727.3 (MANE Select); coding-DNA position 1914, G replaced by T.
Protein change: p.Val638=; no amino-acid change (valine 638 retained).
Molecular consequence: synonymous variant. On other transcripts: intron variant (2).
Genome position (GRCh38, 1-based): chr15:65,638,151, G>T. VCF-style: chr15-65638151-G-T. GRCh37 (hg19) VCF-style: chr15-65930489-G-T.
Other names: c.1914G>T (NM_004727.2); c.1914G>T, p.Val638= (NM_001301031.1); c.1891-1444G>T (NM_001301033.2, NM_001301032.1).
Identifiers: ClinVar variation 1533778 (VCV001533778.9), dbSNP rs1197210446, ClinGen allele CA490848476.

ClinVar aggregate classification (germline): Likely benign. Review status: criteria provided, multiple submitters, no conflicts (2 of 4 stars). 2 submissions from 2 submitters: Likely benign (2). Last evaluated 2025-05-07.

Conditions:
SLC24A1-related disorder. Also called: SLC24A1-related condition.

Allele frequency attached by ClinVar (database versions not stated): gnomAD 0.00003 and 0.00004.

Submissions (2):

PreventionGenetics, part of Exact Sciences
Classification: Likely benign for SLC24A1-related condition. Last evaluated: 2025-05-07. Review status: criteria provided, single submitter. Criteria: ACMG Guidelines, 2015. Collection method: clinical testing. Allele origin: germline.
Comment: This variant is classified as likely benign based on ACMG/AMP sequence variant interpretation guidelines (Richards et al. 2015 PMID: 25741868, with internal and published modifications).

Labcorp Genetics (formerly Invitae), Labcorp
Classification: Likely benign. Last evaluated: 2024-12-02. Review status: criteria provided, single submitter. Criteria: Invitae Variant Classification Sherloc (09022015). Collection method: clinical testing. Allele origin: germline.